The following is an entry in ClinVar:

Conditions:
Long QT syndrome 5 (LQT5). Identifiers: Orphanet 101016, Orphanet 768, MedGen C1867904, MONDO:0013372, OMIM 613695.

Submission:

Roden Lab, Vanderbilt University Medical Center
No classification provided (evidence only). Condition: Long QT syndrome 5. Review status: no classification provided. Collection method: in vitro. Allele origin: not applicable. Functional consequence: Effect on ion channel function.
ClinVar note: "not provided" was previously submitted as the classification for the variant. However, the classification appeared to be based only on an observation of functional data so it was converted to no classification on 2025-07-30.

NM_000219.6(KCNE1):c.161T>C (p.Phe54Ser)

Gene: KCNE1 (potassium voltage-gated channel subfamily E regulatory subunit 1; minus strand). Cytogenetic location: 21q22.12.
Variant type: single nucleotide variant.
Coding change: c.161T>C on transcript NM_000219.6 (MANE Select); coding-DNA position 161, T replaced by C.
Protein change: p.Phe54Ser; replaces phenylalanine 54 with serine.
Molecular consequence: missense variant.
Genome position (GRCh38, 1-based): chr21:34,449,474, A>G on the plus strand (T>C on the coding strand, the complement: KCNE1 is on the minus strand). VCF-style: chr21-34449474-A-G. GRCh37 (hg19) VCF-style: chr21-35821772-A-G.
Other names: c.161T>C, p.Phe54Ser (NM_001127668.4, NM_001127669.4, NM_001127670.4 and 4 more transcripts); short protein forms F54S.
Identifiers: ClinVar variation 3374208 (VCV003374208.2).